The following is an entry in ClinVar:

ClinVar aggregate classification (germline): Uncertain significance (1 of 4 stars; one submission).

Conditions:
PHGDH deficiency. Identifiers: Orphanet 79351, MedGen C1866174, MONDO:0011152, OMIM 601815.

Allele frequency attached by ClinVar (database versions not stated): gnomAD 0.00001; TOPMed 0.00001.
gnomAD v4.1: 2 of 1,614,014 alleles (0.00012%); highest among the groups gnomAD compares: African/African-American, 0.0027%; no homozygotes.

Submission:

Labcorp Genetics (formerly Invitae), Labcorp
Classification: Uncertain significance for PHGDH deficiency. Last evaluated: 2022-08-21. Review status: criteria provided, single submitter. Criteria: Invitae Variant Classification Sherloc (09022015). Collection method: clinical testing. Allele origin: germline.
Comment: In summary, the available evidence is currently insufficient to determine the role of this variant in disease. Therefore, it has been classified as a Variant of Uncertain Significance. Algorithms developed to predict the effect of missense changes on protein structure and function (SIFT, PolyPhen-2, Align-GVGD) all suggest that this variant is likely to be tolerated. This variant has not been reported in the literature in individuals affected with PHGDH-related conditions. This variant is present in population databases (no rsID available, gnomAD 0.01%). This sequence change replaces phenylalanine, which is neutral and non-polar, with leucine, which is neutral and non-polar, at codon 303 of the PHGDH protein (p.Phe303Leu).

NM_006623.4(PHGDH):c.907T>C (p.Phe303Leu)

Gene: PHGDH (phosphoglycerate dehydrogenase; plus strand). Cytogenetic location: 1p12.
Variant type: single nucleotide variant.
Coding change: c.907T>C on transcript NM_006623.4 (MANE Select); coding-DNA position 907, T replaced by C.
Protein change: p.Phe303Leu; replaces phenylalanine 303 with leucine.
Molecular consequence: missense variant.
Genome position (GRCh38, 1-based): chr1:119,737,228, T>C. VCF-style: chr1-119737228-T-C. GRCh37 (hg19) VCF-style: chr1-120279851-T-C.
Other names: short protein forms F303L.
Identifiers: ClinVar variation 2201135 (VCV002201135.4), dbSNP rs1343590014, ClinGen allele CA341851417.
Genomic context (GRCh38, chr1:119,737,228, plus strand): 5'-CACCTGGGTGCCAGCACCAAGGAGGCTCAGAGCCGCTGTGGGGAGGAAATTGCTGTTCAG[T>C]TCGTGGACATGGTGAAGGGGAAATCTCTCACGGGGGTTGTAAGTATCACCACCTGGGGCT-3'
Protein context (NP_006614.2, residues 293-313): SRCGEEIAVQ[Phe303Leu]VDMVKGKSLT